The following is an entry in ClinVar:

NM_001041.4(SI):c.325G>A (p.Val109Ile)

Gene: SI (sucrase-isomaltase; minus strand). Cytogenetic location: 3q26.1.
Variant type: single nucleotide variant.
Coding change: c.325G>A on transcript NM_001041.4 (MANE Select); coding-DNA position 325, G replaced by A.
Protein change: p.Val109Ile; replaces valine 109 with isoleucine.
Molecular consequence: missense variant.
Genome position (GRCh38, 1-based): chr3:165,069,126, C>T on the plus strand (G>A on the coding strand, the complement: SI is on the minus strand). VCF-style: chr3-165069126-C-T. GRCh37 (hg19) VCF-style: chr3-164786914-C-T.
Other names: c.325G>A (NM_001041.3); short protein forms V109I.
Identifiers: ClinVar variation 1441782 (VCV001441782.8), dbSNP rs149498200, ClinGen allele CA2691545.

ClinVar aggregate classification (germline): Uncertain significance. Review status: criteria provided, multiple submitters, no conflicts (2 of 4 stars). 3 submissions from 3 submitters: Uncertain significance (3). Last evaluated 2024-06-24.

Conditions:
Inborn genetic diseases. Identifiers: MedGen C0950123, MeSH D030342.
Sucrase-isomaltase deficiency (CSID). Also called: SI DEFICIENCY; Congenital sucrose isomaltose malabsorption; Sucrose isomaltose enzyme deficiency; Deficiency of isomaltase. Identifiers: Orphanet 35122, MedGen C1283620, MONDO:0009114, OMIM 222900.

Allele frequency attached by ClinVar (database versions not stated): gnomAD exomes 0.00004; gnomAD 0.00013 and 0.00014; ESP Exome Variant Server 0.00015.
gnomAD v4.1: 145 of 1,613,372 alleles (0.009%); highest among the groups gnomAD compares: African/African-American, 0.032%; no homozygotes.

Submissions (3):

Labcorp Genetics (formerly Invitae), Labcorp
Classification: Uncertain significance. Last evaluated: 2024-06-24. Review status: criteria provided, single submitter. Criteria: Invitae Variant Classification Sherloc (09022015). Collection method: clinical testing. Allele origin: germline.
Comment: This sequence change replaces valine, which is neutral and non-polar, with isoleucine, which is neutral and non-polar, at codon 109 of the SI protein (p.Val109Ile). This variant is present in population databases (rs149498200, gnomAD 0.03%). This variant has not been reported in the literature in individuals affected with SI-related conditions. ClinVar contains an entry for this variant (Variation ID: 1441782). Advanced modeling of protein sequence and biophysical properties (such as structural, functional, and spatial information, amino acid conservation, physicochemical variation, residue mobility, and thermodynamic stability) has been performed at Invitae for this missense variant, however the output from this modeling did not meet the statistical confidence thresholds required to predict the impact of this variant on SI protein function. In summary, the available evidence is currently insufficient to determine the role of this variant in disease. Therefore, it has been classified as a Variant of Uncertain Significance.

Fulgent Genetics
Classification: Uncertain significance for Sucrase-isomaltase deficiency. Last evaluated: 2024-04-12. Review status: criteria provided, single submitter. Criteria: ACMG Guidelines, 2015. Collection method: clinical testing. Allele origin: germline.

Ambry Genetics
Classification: Uncertain significance for Inborn genetic diseases. Last evaluated: 2021-07-16. Review status: criteria provided, single submitter. Criteria: Ambry Variant Classification Scheme 2023. Collection method: clinical testing. Allele origin: germline.